The following is an entry in ClinVar:

ClinVar aggregate classification (germline): Uncertain significance (1 of 4 stars; one submission).

Submission:

Labcorp Genetics (formerly Invitae), Labcorp
Classification: Uncertain significance. Last evaluated: 2025-10-28. Review status: criteria provided, single submitter. Criteria: Invitae Variant Classification Sherloc (09022015). Collection method: clinical testing. Allele origin: germline.
Comment: This sequence change replaces arginine, which is basic and polar, with serine, which is neutral and polar, at codon 213 of the PTH1R protein (p.Arg213Ser). This variant is not present in population databases (gnomAD no frequency). This variant has not been reported in the literature in individuals affected with PTH1R-related conditions. An algorithm developed to predict the effect of missense changes on protein structure and function (PolyPhen-2) suggests that this variant is likely to be disruptive. Algorithms developed to predict the effect of sequence changes on RNA splicing suggest that this variant may disrupt the consensus splice site. In summary, the available evidence is currently insufficient to determine the role of this variant in disease. Therefore, it has been classified as a Variant of Uncertain Significance.

NM_000316.3(PTH1R):c.639G>T (p.Arg213Ser)

Gene: PTH1R (parathyroid hormone 1 receptor; plus strand). Cytogenetic location: 3p21.31.
Variant type: single nucleotide variant.
Coding change: c.639G>T on transcript NM_000316.3 (MANE Select); coding-DNA position 639, G replaced by T.
Protein change: p.Arg213Ser; replaces arginine 213 with serine.
Molecular consequence: missense variant.
Genome position (GRCh38, 1-based): chr3:46,898,662, G>T. VCF-style: chr3-46898662-G-T. GRCh37 (hg19) VCF-style: chr3-46940152-G-T.
Other names: c.639G>T, p.Arg213Ser (NM_001184744.1); short protein forms R213S.
Identifiers: ClinVar variation 4750442 (VCV004750442.1).